The following is an entry in ClinVar:

NM_198253.3(TERT):c.1957C>T (p.Arg653Cys)

Gene: TERT (telomerase reverse transcriptase; minus strand). Cytogenetic location: 5p15.33.
Variant type: single nucleotide variant.
Coding change: c.1957C>T on transcript NM_198253.3 (MANE Select); coding-DNA position 1957, C replaced by T.
Protein change: p.Arg653Cys; replaces arginine 653 with cysteine.
Molecular consequence: missense variant. On other transcripts: non-coding transcript variant (2).
Genome position (GRCh38, 1-based): chr5:1,279,464, G>A on the plus strand (C>T on the coding strand, the complement: TERT is on the minus strand). VCF-style: chr5-1279464-G-A. GRCh37 (hg19) VCF-style: chr5-1279579-G-A.
Other names: c.1957C>T, p.Arg653Cys (NM_001193376.3); short protein forms R653C.
Identifiers: ClinVar variation 471844 (VCV000471844.12), dbSNP rs372272356, ClinGen allele CA3184698.

ClinVar aggregate classification (germline): Conflicting classifications of pathogenicity. Review status: criteria provided, conflicting classifications (1 of 4 stars). 3 submissions from 3 submitters: Uncertain significance (2); Likely benign (1). Last evaluated 2025-12-24.

Conditions:
Dyskeratosis congenita, autosomal dominant 2. Identifiers: MedGen C3151443, MONDO:0013521, OMIM 613989.
Idiopathic Pulmonary Fibrosis. Also called: Idiopathic fibrosing alveolitis, chronic form; idiopathic fibrosing alveolitis. Identifiers: Orphanet 2032, MedGen C1800706, MeSH D054990, MONDO:0800504.
Dyskeratosis congenita. Identifiers: Orphanet 1775, MedGen C0265965, MONDO:0015780.

Allele frequency attached by ClinVar (database versions not stated): gnomAD 0.00003; gnomAD exomes 0.00003 and 0.00007; TOPMed 0.00004; ExAC 0.00007; ESP Exome Variant Server 0.00008.
gnomAD v4.1: 40 of 1,549,108 alleles (0.0026%); highest among the groups gnomAD compares: Admixed American, 0.0098%; no homozygotes.

Submissions (3):

Labcorp Genetics (formerly Invitae), Labcorp
Classification: Likely benign for Dyskeratosis congenita, autosomal dominant 2; Idiopathic Pulmonary Fibrosis. Last evaluated: 2025-12-24. Review status: criteria provided, single submitter. Criteria: Invitae Variant Classification Sherloc (09022015). Collection method: clinical testing. Allele origin: germline.

Ambry Genetics
Classification: Uncertain significance for Dyskeratosis congenita. Last evaluated: 2025-03-26. Review status: criteria provided, single submitter. Criteria: Ambry Variant Classification Scheme 2023. Collection method: clinical testing. Allele origin: germline.
Comment: The p.R653C variant (also known as c.1957C>T), located in coding exon 5 of the TERT gene, results from a C to T substitution at nucleotide position 1957. The arginine at codon 653 is replaced by cysteine, an amino acid with highly dissimilar properties. This amino acid position is poorly conserved in available vertebrate species. In addition, this alteration is predicted to be tolerated by in silico analysis. Based on the available evidence, the clinical significance of this variant remains unclear.

Baylor Genetics
Classification: Uncertain significance for Dyskeratosis congenita, autosomal dominant 2. Last evaluated: 2024-03-20. Review status: criteria provided, single submitter. Criteria: ACMG Guidelines, 2015. Collection method: clinical testing. Allele origin: unknown.